The following is an entry in ClinVar:

NM_000179.3(MSH6):c.453T>C (p.Tyr151=)

Gene: MSH6 (mutS homolog 6; plus strand). Cytogenetic location: 2p16.3.
Variant type: single nucleotide variant.
Coding change: c.453T>C on transcript NM_000179.3 (MANE Select); coding-DNA position 453, T replaced by C.
Protein change: p.Tyr151=; no amino-acid change (tyrosine 151 retained).
Molecular consequence: synonymous variant. On other transcripts: 5 prime UTR variant (2), intron variant (1).
Genome position (GRCh38, 1-based): chr2:47,791,119, T>C. VCF-style: chr2-47791119-T-C. GRCh37 (hg19) VCF-style: chr2-48018258-T-C.
Other names: c.-284T>C (NM_001281493.2); c.-450T>C (NM_001281494.2); c.238-7492T>C (NM_001281492.2).
Identifiers: ClinVar variation 1094209 (VCV001094209.12), dbSNP rs2104112598, ClinGen allele CA425989624.
Genomic context (GRCh38, chr2:47,791,119, plus strand): 5'-ACAGTTTTTTGATGACAGCCCAACAAGGGGCTGGGTTAGCAAAAGGCTTTTAAAGCCATA[T>C]ACAGGTAAGAGTCACTACTGCCATGTGTGTGTGTTTGTGTGTGTGTGTGTGTGTGTGAGA-3'
Protein context (NP_000170.1, residues 141-161): GWVSKRLLKP[Tyr151=]TGSKSKEAQK

ClinVar aggregate classification (germline): Benign/Likely benign. Review status: criteria provided, multiple submitters, no conflicts (2 of 4 stars). 3 submissions from 3 submitters: Benign (1); Likely benign (2). Last evaluated 2024-12-18.

Conditions:
Hereditary cancer-predisposing syndrome. Also called: Hereditary Cancer Syndrome; Neoplastic Syndromes, Hereditary; Hereditary neoplastic syndrome; Tumor predisposition. Identifiers: Orphanet 140162, MedGen C0027672, MeSH D009386, MONDO:0015356.
Hereditary nonpolyposis colorectal neoplasms. Identifiers: MedGen C0009405, MeSH D003123.
Lynch syndrome 5 (LYNCH5). Also called: Colorectal cancer, hereditary nonpolyposis, type 5; Hereditary non-polyposis colorectal cancer, type 5. Identifiers: Orphanet 144, MedGen C1833477, MONDO:0013710, OMIM 614350. Disease mechanism: loss of function.

Allele frequency attached by ClinVar (database versions not stated): gnomAD exomes below 0.00001.
gnomAD v4.1: 1 of 1,613,972 alleles (0.000062%); highest among the groups gnomAD compares: Middle Eastern, 0.017%; no homozygotes.

Submissions (3):

Myriad Genetics, Inc.
Classification: Benign for Lynch syndrome 5. Last evaluated: 2024-12-18. Review status: criteria provided, single submitter. Criteria: Myriad Autosomal Dominant, Autosomal Recessive and X-Linked Classification Criteria (2023). Collection method: clinical testing. Allele origin: unknown.
Comment: This variant is considered benign. This variant is a silent/synonymous amino acid change and it is not expected to impact splicing.

Labcorp Genetics (formerly Invitae), Labcorp
Classification: Likely benign for Hereditary nonpolyposis colorectal neoplasms. Last evaluated: 2022-10-26. Review status: criteria provided, single submitter. Criteria: Invitae Variant Classification Sherloc (09022015). Collection method: clinical testing. Allele origin: germline.

Ambry Genetics
Classification: Likely benign for Hereditary cancer-predisposing syndrome. Last evaluated: 2021-03-08. Review status: criteria provided, single submitter. Criteria: Ambry Variant Classification Scheme 2023. Collection method: clinical testing. Allele origin: germline.